The following is an entry in ClinVar:

NM_080680.3(COL11A2):c.1580T>C (p.Leu527Pro)

Gene: COL11A2 (collagen type XI alpha 2 chain; minus strand). Cytogenetic location: 6p21.32.
Variant type: single nucleotide variant.
Coding change: c.1580T>C on transcript NM_080680.3 (MANE Select); coding-DNA position 1580, T replaced by C.
Protein change: p.Leu527Pro; replaces leucine 527 with proline.
Molecular consequence: missense variant.
Genome position (GRCh38, 1-based): chr6:33,179,104, A>G on the plus strand (T>C on the coding strand, the complement: COL11A2 is on the minus strand). VCF-style: chr6-33179104-A-G. GRCh37 (hg19) VCF-style: chr6-33146881-A-G.
Other names: c.1400T>C, p.Leu467Pro (NM_001424108.1); c.734T>C, p.Leu245Pro (NM_001424109.1); c.554T>C, p.Leu185Pro (NM_001424110.1, NM_001424111.1); c.1259T>C, p.Leu420Pro (NM_080679.3); c.1322T>C, p.Leu441Pro (NM_080681.3); short protein forms L185P, L245P, L420P, L441P, L467P, L527P.
Identifiers: ClinVar variation 4808117 (VCV004808117.1).

ClinVar aggregate classification (germline): Uncertain significance (1 of 4 stars; one submission).

gnomAD v4.1: 6 of 1,613,770 alleles (0.00037%); highest among the groups gnomAD compares: Non-Finnish European, 0.00051%; no homozygotes.

Submission:

Labcorp Genetics (formerly Invitae), Labcorp
Classification: Uncertain significance. Last evaluated: 2025-08-23. Review status: criteria provided, single submitter. Criteria: Invitae Variant Classification Sherloc (09022015). Collection method: clinical testing. Allele origin: germline.
Comment: This sequence change replaces leucine, which is neutral and non-polar, with proline, which is neutral and non-polar, at codon 527 of the COL11A2 protein (p.Leu527Pro). This variant is not present in population databases (gnomAD no frequency). This variant has not been reported in the literature in individuals affected with COL11A2-related conditions. Invitae Evidence Modeling of protein sequence and biophysical properties (such as structural, functional, and spatial information, amino acid conservation, physicochemical variation, residue mobility, and thermodynamic stability) indicates that this missense variant is not expected to disrupt COL11A2 protein function with a negative predictive value of 95%. In summary, the available evidence is currently insufficient to determine the role of this variant in disease. Therefore, it has been classified as a Variant of Uncertain Significance.